The following continues an entry in ClinVar:

NM_000277.3(PAH):c.898G>T (p.Ala300Ser)

ClinVar aggregate classification (germline): Pathogenic. Pathogenic (1).

Submissions 27 to 39 of 39:

New York Genome Center
Classification: Pathogenic for Phenylketonuria. Last evaluated: 2021-03-12. Review status: criteria provided, single submitter. Criteria: NYGC Assertion Criteria 2020. Collection method: clinical testing. Allele origin: inherited. Observed: 1 heterozygote. Study: CSER-NYCKidSeq. Not counted in ClinVar's aggregate classification.

Genomic Research Center, Shahid Beheshti University of Medical Sciences
Classification: Pathogenic for Phenylketonuria. Last evaluated: 2020-05-03. Review status: criteria provided, single submitter. Criteria: ACMG Guidelines, 2015. Collection method: clinical testing. Allele origin: unknown. Affected: yes. Not counted in ClinVar's aggregate classification.

Myriad Genetics, Inc.
Classification: Pathogenic for Phenylketonuria. Last evaluated: 2019-12-26. Review status: criteria provided, single submitter. Criteria: Myriad Women's Health Autosomal Recessive and X-Linked Classification Criteria (2019). Collection method: clinical testing. Allele origin: unknown. Not counted in ClinVar's aggregate classification.
Comment: NM_000277.1(PAH):c.898G>T(A300S) is classified as pathogenic in the context of phenylalanine hydroxylase deficiency and may be associated with classic, variant, or non-PKU hyperphenylalaninemia. Sources cited for classification include the following: PMID 9298832, 18538294, 23500595, 18299955, 16198137, 21147011, 15557004, 23792259, 24350308, and 17935162. Classification of NM_000277.1(PAH):c.898G>T(A300S) is based on the following criteria: This is a well-established pathogenic variant in the literature that has been observed more frequently in patients with clinical diagnoses than in healthy populations. Please note: this variant was assessed in the context of healthy population screening.

Centre for Mendelian Genomics, University Medical Centre Ljubljana
Classification: Pathogenic for Phenylketonuria. Last evaluated: 2019-07-30. Review status: criteria provided, single submitter. Criteria: ACMG Guidelines, 2015. Collection method: clinical testing. Allele origin: unknown. Affected: yes. Not counted in ClinVar's aggregate classification.
Comment: This variant was classified as: Pathogenic. The following ACMG criteria were applied in classifying this variant: PS1,PM1,PM5,PP2,PP3,PP5.

Eurofins Ntd Llc (ga)
Classification: Pathogenic. Last evaluated: 2017-06-16. Review status: criteria provided, single submitter. Criteria: EGL Classification Definitions 2015. Collection method: clinical testing. Allele origin: germline. Observed: 21 variant alleles, 21 heterozygotes. Not counted in ClinVar's aggregate classification.

Quest Diagnostics Nichols Institute San Juan Capistrano
Classification: Pathogenic. Last evaluated: 2016-10-04. Review status: criteria provided, single submitter. Criteria: Quest Diagnostics criteria. Collection method: clinical testing. Allele origin: germline. Not counted in ClinVar's aggregate classification.

Illumina Laboratory Services, Illumina
Classification: Pathogenic for Phenylalanine Hydroxylase Deficiency. Last evaluated: 2016-06-14. Review status: criteria provided, single submitter. Criteria: ICSL Variant Classification 20161018. Collection method: clinical testing. Allele origin: germline. Not counted in ClinVar's aggregate classification.
Comment: The c.898G>A (p.Ala300Ser) variant is well-documented in the literature and is associated with mild phenylketonuria phenotype that is responsive to BH4 treatment. Across a selection of available literature, the p.Ala300Ser variant has been identified in a homozygous state in at least two patients, in a compound heterozygous state in at least 20 patients, and in 40 patients whose zygosity was not explicitly stated but are presumed to be compound heterozygous (Eisensmith et al. 1992; Spaapen et al. 2001; Blau and Erlandsen 2004; ZurflÃ¼h et al. 2008; Bercovich et al. 2008; Couce et al. 2013). Control data are unavailable for this variant, which is reported at a frequency of 0.00072 in the European (Non-Finnish) population of the Exome Aggregation Consortium. Functional studies showed that the p.Ala300Ser variant did not affect enzyme activity, but resulted in severe misfolding and destabilization of the PAH protein (Gersting et al. 2008). Based on the collective evidence, the p.Ala300Ser variant is classified as pathogenic for phenylalanine hydroxylase deficiency.

Women's Health and Genetics/Laboratory Corporation of America, LabCorp
Classification: Pathogenic for Hyperphenylalaninemia. Last evaluated: 2016-06-09. Review status: criteria provided, single submitter. Criteria: LabCorp Variant Classification Summary - May 2015. Collection method: clinical testing. Allele origin: germline. Not counted in ClinVar's aggregate classification.
Comment: Variant summary: The PAH c.898G>T (p.Ala300Ser) variant involves the alteration of a conserved nucleotide within the catalytic domain. 4/5 in silico tools predict a damaging outcome for this variant. This variant was found in 54/121010 control chromosomes at a frequency of 0.0004462, which does not exceed the estimated maximal expected allele frequency of a pathogenic PAH variant (0.0079057). This variant has been reported as one of the most common pathogenic variants that associate with a milder phenotype, which is consistant with the finding that p.Ala300Ser retains 31% of enzyme activity (Zurfluh_2008). In addition, multiple clinical diagnostic laboratories/reputable databases classified this variant as pathogenic. Taken together, this variant is classified as pathogenic.

Hadassah Hebrew University Medical Center
Classification: Pathogenic for Phenylketonuria. Review status: criteria provided, single submitter. Criteria: ACMG Guidelines, 2015. Collection method: research. Allele origin: germline. Affected: no. Observed: 2 variant alleles. Not counted in ClinVar's aggregate classification.

Clinical Laboratory Sciences Program (CLSP), King Saud bin Abdulaziz University for Health Sciences (KSAU-HS)
Classification: Pathogenic for Phenylketonuria. Last evaluated: 2023-04-01. Review status: no assertion criteria provided. Collection method: clinical testing. Allele origin: germline. Affected: yes. Not counted in ClinVar's aggregate classification.

DeBelle Laboratory for Biochemical Genetics, MUHC/MCH RESEARCH INSTITUTE
No classification provided. Review status: no classification provided. Collection method: not provided. Allele origin: not provided. Not counted in ClinVar's aggregate classification.

Diagnostic Laboratory, Department of Genetics, University Medical Center Groningen
Classification: Pathogenic. Review status: no assertion criteria provided. Collection method: clinical testing. Allele origin: germline. Affected: yes. Study: VKGL Data-share Consensus. Not counted in ClinVar's aggregate classification.

Genome Diagnostics Laboratory, University Medical Center Utrecht
Classification: Pathogenic. Review status: no assertion criteria provided. Collection method: clinical testing. Allele origin: germline. Affected: yes. Study: VKGL Data-share Consensus. Not counted in ClinVar's aggregate classification.

Literature cited by the submitters: PubMed 21147011 (cited by 6 submitters); PubMed 17935162 (cited by 9 submitters); PubMed 18538294 (cited by 6 submitters); PubMed 8533759 (cited by Victorian Clinical Genetics Services, Murdoch Childrens Research Institute); PubMed 22330942 (cited by Labcorp Genetics (formerly Invitae), Labcorp and Variantyx, Inc.); PubMed 23764561 (cited by Labcorp Genetics (formerly Invitae), Labcorp and Variantyx, Inc.); PubMed 25155776 (cited by Labcorp Genetics (formerly Invitae), Labcorp and Variantyx, Inc.); PubMed 25596310 (cited by 4 submitters); PubMed 27682710 (cited by Labcorp Genetics (formerly Invitae), Labcorp and Variantyx, Inc.); PubMed 15557004 (cited by 3 submitters); PubMed 26803807 (cited by 4 submitters); PubMed 26481238 (cited by 3billion); PubMed 1301187 (cited by 3billion and Illumina Laboratory Services, Illumina); PubMed 31332730 (cited by 3billion); PubMed 18299955 (cited by 3 submitters); PubMed 23559577 (cited by Laboratory for Molecular Medicine, Mass General Brigham Personalized Medicine); PubMed 18956252 (cited by Laboratory for Molecular Medicine, Mass General Brigham Personalized Medicine); PubMed 15171997 (cited by Ambry Genetics and Illumina Laboratory Services, Illumina); PubMed 18294361 (cited by Ambry Genetics); PubMed 23357515 (cited by Ambry Genetics); PubMed 23500595 (cited by 3 submitters); PubMed 23792259 (cited by Ambry Genetics and Myriad Genetics, Inc.); PubMed 26666653 (cited by Ambry Genetics and Women's Health and Genetics/Laboratory Corporation of America, LabCorp); PubMed 9298832 (cited by Myriad Genetics, Inc.); PubMed 16198137 (cited by Myriad Genetics, Inc.); PubMed 24350308 (cited by Myriad Genetics, Inc.); PubMed 11486900 (cited by Illumina Laboratory Services, Illumina).